The following is an entry in ClinVar:

ClinVar aggregate classification (germline): Conflicting classifications of pathogenicity. Review status: criteria provided, conflicting classifications (1 of 4 stars). 2 submissions from 2 submitters: Uncertain significance (1); Likely benign (1). Last evaluated 2024-02-26.

Conditions:
Hereditary cancer-predisposing syndrome. Also called: Neoplastic Syndromes, Hereditary; Tumor predisposition; Hereditary Cancer Syndrome; Hereditary neoplastic syndrome. Identifiers: Orphanet 140162, MedGen C0027672, MeSH D009386, MONDO:0015356.

Submissions (2):

Ambry Genetics
Classification: Likely benign for Hereditary cancer-predisposing syndrome. Last evaluated: 2024-02-26. Review status: criteria provided, single submitter. Criteria: Ambry Variant Classification Scheme 2023. Collection method: clinical testing. Allele origin: germline.

Color Diagnostics, LLC DBA Color Health
Classification: Uncertain significance for Hereditary cancer-predisposing syndrome. Last evaluated: 2023-12-04. Review status: criteria provided, single submitter. Criteria: ACMG Guidelines, 2015. Collection method: clinical testing. Allele origin: germline.
Comment: This missense variant replaces asparagine with aspartic acid at codon 275 of the RAD51C protein. Computational prediction tools and conservation analyses are inconclusive regarding the impact of this variant on the protein function. Computational splicing tools suggest that this variant may not impact RNA splicing. To our knowledge, functional assays have not been performed for this variant nor has this variant been reported in individuals affected with hereditary cancer in the literature. This variant has not been identified in the general population by the Genome Aggregation Database (gnomAD). Available evidence is insufficient to determine the role of this variant in disease conclusively. Therefore, this variant is classified as a Variant of Uncertain Significance.

NM_058216.3(RAD51C):c.823A>G (p.Asn275Asp)

Gene: RAD51C (RAD51 paralog C; plus strand). Cytogenetic location: 17q22.
Variant type: single nucleotide variant.
Coding change: c.823A>G on transcript NM_058216.3 (MANE Select); coding-DNA position 823, A replaced by G.
Protein change: p.Asn275Asp; replaces asparagine 275 with aspartic acid.
Molecular consequence: missense variant. On other transcripts: non-coding transcript variant (1).
Genome position (GRCh38, 1-based): chr17:58,709,976, A>G. VCF-style: chr17-58709976-A-G. GRCh37 (hg19) VCF-style: chr17-56787337-A-G.
Other names: c.823A>G (NM_058216.1); short protein forms N275D.
Identifiers: ClinVar variation 921197 (VCV000921197.7), dbSNP rs2048501764, ClinGen allele CA400354372.